The following is an entry in ClinVar:

ClinVar aggregate classification (germline): Conflicting classifications of pathogenicity. Review status: criteria provided, conflicting classifications (1 of 4 stars). 4 submissions from 4 submitters: Uncertain significance (3); Likely benign (1). Last evaluated 2024-07-30.

Conditions:
Cardiovascular phenotype. Identifiers: MedGen CN230736.
Alstrom syndrome (ALMS). Identifiers: Orphanet 64, MedGen C0268425, MONDO:0008763, OMIM 203800.

Allele frequency attached by ClinVar (database versions not stated): gnomAD 0.00007; TOPMed 0.00007; ESP Exome Variant Server 0.00008; ExAC 0.00015; gnomAD exomes 0.00015.
gnomAD v4.1: 241 of 1,613,712 alleles (0.015%); highest among the groups gnomAD compares: Non-Finnish European, 0.019%; no homozygotes.

Submissions (4):

Ambry Genetics
Classification: Likely benign for Cardiovascular phenotype. Last evaluated: 2024-07-30. Review status: criteria provided, single submitter. Criteria: Ambry Variant Classification Scheme 2023. Collection method: clinical testing. Allele origin: germline.

Blueprint Genetics
Classification: Uncertain significance. Last evaluated: 2024-01-08. Review status: criteria provided, single submitter. Criteria: ACMG Guidelines, 2015. Collection method: clinical testing. Allele origin: germline.

Women's Health and Genetics/Laboratory Corporation of America, LabCorp
Classification: Uncertain significance. Last evaluated: 2023-07-30. Review status: criteria provided, single submitter. Criteria: LabCorp Variant Classification Summary - May 2015. Collection method: clinical testing. Allele origin: germline.

Labcorp Genetics (formerly Invitae), Labcorp
Classification: Uncertain significance for Alstrom syndrome. Last evaluated: 2022-10-17. Review status: criteria provided, single submitter. Criteria: Invitae Variant Classification Sherloc (09022015). Collection method: clinical testing. Allele origin: germline.
Comment: This sequence change replaces serine, which is neutral and polar, with threonine, which is neutral and polar, at codon 671 of the ALMS1 protein (p.Ser671Thr). This variant is present in population databases (rs200210826, gnomAD 0.03%). This variant has not been reported in the literature in individuals affected with ALMS1-related conditions. Experimental studies and prediction algorithms are not available or were not evaluated, and the functional significance of this variant is currently unknown. In summary, the available evidence is currently insufficient to determine the role of this variant in disease. Therefore, it has been classified as a Variant of Uncertain Significance.

NM_001378454.1(ALMS1):c.2008T>A (p.Ser670Thr)

Gene: ALMS1 (ALMS1 centrosome and basal body associated protein; plus strand). Cytogenetic location: 2p13.1.
Variant type: single nucleotide variant.
Coding change: c.2008T>A on transcript NM_001378454.1 (MANE Select); coding-DNA position 2008, T replaced by A.
Protein change: p.Ser670Thr; replaces serine 670 with threonine.
Molecular consequence: missense variant.
Genome position (GRCh38, 1-based): chr2:73,448,535, T>A. VCF-style: chr2-73448535-T-A. GRCh37 (hg19) VCF-style: chr2-73675662-T-A.
Other names: c.2011T>A, p.Ser671Thr (NM_015120.4); short protein forms S671T, S670T.
Identifiers: ClinVar variation 1784430 (VCV001784430.7), dbSNP rs200210826, ClinGen allele CA1713256.